The following is an entry in ClinVar:

ClinVar aggregate classification (germline): Likely benign (1 of 4 stars; one submission).

gnomAD v4.1: 14 of 1,614,082 alleles (0.00087%); highest among the groups gnomAD compares: Non-Finnish European, 0.0012%; no homozygotes.

Submission:

CeGaT Center for Human Genetics Tuebingen
Classification: Likely benign. Last evaluated: 2024-12-01. Review status: criteria provided, single submitter. Criteria: CeGaT Center For Human Genetics Tuebingen Variant Classification Criteria Version 2. Collection method: clinical testing. Allele origin: germline. Affected: yes. Observed: 1 variant allele.
Comment: ERAP1: BP4, BP7

NM_001040458.3(ERAP1):c.1020T>C (p.Ser340=)

Gene: ERAP1 (endoplasmic reticulum aminopeptidase 1; minus strand). Cytogenetic location: 5q15.
Variant type: single nucleotide variant.
Coding change: c.1020T>C on transcript NM_001040458.3 (MANE Select); coding-DNA position 1020, T replaced by C.
Protein change: p.Ser340=; no amino-acid change (serine 340 retained).
Molecular consequence: synonymous variant.
Genome position (GRCh38, 1-based): chr5:96,793,857, A>G on the plus strand (T>C on the coding strand, the complement: ERAP1 is on the minus strand). VCF-style: chr5-96793857-A-G. GRCh37 (hg19) VCF-style: chr5-96129560-A-G.
Other names: c.1020T>C, p.Ser340= (NM_001198541.3, NM_001349244.2, NM_016442.5).
Identifiers: ClinVar variation 3771045 (VCV003771045.13).